The following is an entry in ClinVar:

ClinVar aggregate classification (germline): Uncertain significance. Review status: criteria provided, multiple submitters, no conflicts (2 of 4 stars). 3 submissions from 3 submitters: Uncertain significance (3). Last evaluated 2024-07-09.

Conditions:
Coenzyme Q10 deficiency, primary, 1. Also called: UBIQUINONE DEFICIENCY 1; COENZYME Q DEFICIENCY 1; CoQ DEFICIENCY 1. Identifiers: Orphanet 255249, MedGen C3551954, MONDO:0011829, OMIM 607426.
Multiple system atrophy 1, susceptibility to. Also called: MSA1, SUSCEPTIBILITY TO. Identifiers: MedGen C3714927, MONDO:0020715, OMIM 146500.
Inborn genetic diseases. Identifiers: MedGen C0950123, MeSH D030342.

Allele frequency attached by ClinVar (database versions not stated): gnomAD 0.00004.
gnomAD v4.1: 9 of 1,524,904 alleles (0.00059%); highest among the groups gnomAD compares: African/African-American, 0.011%; no homozygotes.

Submissions (3):

Ambry Genetics
Classification: Uncertain significance for Inborn genetic diseases. Last evaluated: 2024-07-09. Review status: criteria provided, single submitter. Criteria: Ambry Variant Classification Scheme 2023. Collection method: clinical testing. Allele origin: germline.

Fulgent Genetics
Classification: Uncertain significance for Multiple system atrophy 1, susceptibility to; Coenzyme Q10 deficiency, primary, 1. Last evaluated: 2022-01-26. Review status: criteria provided, single submitter. Criteria: ACMG Guidelines, 2015. Collection method: clinical testing. Allele origin: unknown.

GeneDx
Classification: Uncertain significance. Last evaluated: 2022-01-05. Review status: criteria provided, single submitter. Criteria: GeneDx Variant Classification Process June 2021. Collection method: clinical testing. Allele origin: germline. Affected: yes.
Comment: Not observed at significant frequency in large population cohorts (gnomAD); In silico analysis supports that this missense variant does not alter protein structure/function; Has not been previously published as pathogenic or benign to our knowledge

NM_015697.9(COQ2):c.34G>C (p.Gly12Arg)

Genes: COQ2 (coenzyme Q2, polyprenyltransferase; minus strand), LOC112997540 (Sharpr-MPRA regulatory region 13773; plus strand). Cytogenetic location: 4q21.23.
Variant type: single nucleotide variant.
Coding change: c.34G>C on transcript NM_015697.9; coding-DNA position 34, G replaced by C.
Protein change: p.Gly12Arg; replaces glycine 12 with arginine.
Molecular consequence: missense variant.
Genome position (GRCh38, 1-based): chr4:83,284,881, C>G on the plus strand (G>C on the coding strand, the complement: COQ2 is on the minus strand). VCF-style: chr4-83284881-C-G. GRCh37 (hg19) VCF-style: chr4-84206034-C-G.
Other names: short protein forms G12R.
Identifiers: ClinVar variation 1695503 (VCV001695503.4), dbSNP rs981288139, ClinGen allele CA100656785.
Genomic context (GRCh38, chr4:83,284,881, plus strand): 5'-CAGTGGCACCCGCAGGATGCAATCCTAGTCTGCCAGGCTGGGCGGCGGTGTGGGCAGAAC[C>G]TTTCCTCATCCTTACTTGTGAAATTGGGGTCATCGTGGTCGCTTACTCTAGGGAGGAATA-3'